The following is an entry in ClinVar:

ClinVar aggregate classification (germline): Conflicting classifications of pathogenicity. Review status: criteria provided, conflicting classifications (1 of 4 stars). 7 submissions from 7 submitters: Uncertain significance (1); Likely benign (5). 1 of the submissions does not count toward it. Last evaluated 2025-12-30.

Conditions:
Alport syndrome. Also called: Hemorrhagic familial nephritis; Hemorrhagic hereditary nephritis; Congenital hereditary hematuria. Identifiers: Orphanet 63, MedGen C1567741, MONDO:0018965.

Allele frequency attached by ClinVar (database versions not stated): gnomAD exomes 0.00006 and 0.00014; ExAC 0.00011; TOPMed 0.00011; gnomAD 0.00015 and 0.00016.
gnomAD v4.1: 117 of 1,613,964 alleles (0.0072%); highest among the groups gnomAD compares: Middle Eastern, 0.23%; 2 homozygotes.

Submissions (7):

Labcorp Genetics (formerly Invitae), Labcorp
Classification: Likely benign. Last evaluated: 2025-12-30. Review status: criteria provided, single submitter. Criteria: Invitae Variant Classification Sherloc (09022015). Collection method: clinical testing. Allele origin: germline.

Blueprint Genetics
Classification: Likely benign. Last evaluated: 2023-11-23. Review status: criteria provided, single submitter. Criteria: ACMG Guidelines, 2015. Collection method: clinical testing. Allele origin: germline.

CeGaT Center for Human Genetics Tuebingen
Classification: Likely benign. Last evaluated: 2022-10-01. Review status: criteria provided, single submitter. Criteria: CeGaT Center For Human Genetics Tuebingen Variant Classification Criteria Version 2. Collection method: clinical testing. Allele origin: germline. Affected: yes. Observed: 1 variant allele.
Comment: COL4A4: BP4

GeneDx
Classification: Likely benign. Last evaluated: 2021-02-23. Review status: criteria provided, single submitter. Criteria: GeneDx Variant Classification Process June 2021. Collection method: clinical testing. Allele origin: germline. Affected: yes.

Illumina Laboratory Services, Illumina
Classification: Uncertain significance for Alport syndrome. Last evaluated: 2018-01-12. Review status: criteria provided, single submitter. Criteria: ICSL Variant Classification Criteria 13 December 2019. Collection method: clinical testing. Allele origin: germline.

Laboratory for Molecular Medicine, Mass General Brigham Personalized Medicine
Classification: Likely benign. Last evaluated: 2017-08-23. Review status: criteria provided, single submitter. Criteria: LMM Criteria. Collection method: clinical testing. Allele origin: germline. Observed: 1 variant allele.
Comment: p.Gly810Gly in exon 29 of COL4A4: This variant is not expected to have clinical significance because it does not alter an amino acid residue and is not located within the splice consensus sequence. It has been identified in 0.01% (7/65740) of European chromosomes by the Exome Aggregation Consortium (ExAC; dbSNP rs769363556).

Natera, Inc.
Classification: Likely benign for Alport syndrome. Last evaluated: 2020-05-31. Review status: no assertion criteria provided. Collection method: clinical testing. Allele origin: germline. Not counted in ClinVar's aggregate classification.

NM_000092.5(COL4A4):c.2430C>G (p.Gly810=)

Gene: COL4A4 (collagen type IV alpha 4 chain; minus strand). Cytogenetic location: 2q36.3.
Variant type: single nucleotide variant.
Coding change: c.2430C>G on transcript NM_000092.5 (MANE Select); coding-DNA position 2430, C replaced by G.
Protein change: p.Gly810=; no amino-acid change (glycine 810 retained).
Molecular consequence: synonymous variant.
Genome position (GRCh38, 1-based): chr2:227,057,554, G>C on the plus strand (C>G on the coding strand, the complement: COL4A4 is on the minus strand). VCF-style: chr2-227057554-G-C. GRCh37 (hg19) VCF-style: chr2-227922270-G-C.
Identifiers: ClinVar variation 334718 (VCV000334718.47), dbSNP rs769363556, ClinGen allele CA2144806.